The following is an entry in ClinVar:

NM_031935.3(HMCN1):c.16521C>A (p.Tyr5507Ter)

Genes: HMCN1 (hemicentin 1; plus strand), LOC126805953 (P300/CBP strongly-dependent group 1 enhancer GRCh37_chr1:186156636-186157835; plus strand). Cytogenetic location: 1q31.1.
Variant type: single nucleotide variant.
Coding change: c.16521C>A on transcript NM_031935.3 (MANE Select); coding-DNA position 16521, C replaced by A.
Protein change: p.Tyr5507Ter; replaces tyrosine 5507 with a stop codon.
Molecular consequence: nonsense.
Genome position (GRCh38, 1-based): chr1:186,187,989, C>A. VCF-style: chr1-186187989-C-A. GRCh37 (hg19) VCF-style: chr1-186157121-C-A.
Other names: short protein forms Y5507*.
Identifiers: ClinVar variation 3723652 (VCV003723652.2).
Genomic context (GRCh38, chr1:186,187,989, plus strand): 5'-CATGTGCTTCAACATGAGAGGAAGCTACCAGTGCATCGATACACCCTGTCCACCCAACTA[C>A]CAACGGGATCCTGTTTCAGGGTATGTCTTGCCTTCTCATCCCAGACATGCTTTTGAAAAT-3'

ClinVar aggregate classification (germline): Uncertain significance (1 of 4 stars; one submission).

Submission:

Labcorp Genetics (formerly Invitae), Labcorp
Classification: Uncertain significance. Last evaluated: 2024-10-23. Review status: criteria provided, single submitter. Criteria: Invitae Variant Classification Sherloc (09022015). Collection method: clinical testing. Allele origin: germline.
Comment: This sequence change creates a premature translational stop signal (p.Tyr5507*) in the HMCN1 gene. While this is not anticipated to result in nonsense mediated decay, it is expected to disrupt the last 129 amino acid(s) of the HMCN1 protein. This variant is not present in population databases (gnomAD no frequency). This variant has not been reported in the literature in individuals affected with HMCN1-related conditions. Experimental studies and prediction algorithms are not available or were not evaluated, and the functional significance of this variant is currently unknown. In summary, the available evidence is currently insufficient to determine the role of this variant in disease. Therefore, it has been classified as a Variant of Uncertain Significance.